The following is an entry in ClinVar:

ClinVar aggregate classification (germline): Uncertain significance (1 of 4 stars; one submission).

Conditions:
Familial melanoma. Also called: Hereditary melanoma; Hereditary cutaneous melanoma. Identifiers: Orphanet 618, MedGen C1512419, MONDO:0018961.

Submission:

Labcorp Genetics (formerly Invitae), Labcorp
Classification: Uncertain significance for Familial melanoma. Last evaluated: 2018-01-30. Review status: criteria provided, single submitter. Criteria: Invitae Variant Classification Sherloc (09022015). Collection method: clinical testing. Allele origin: germline.
Comment: In summary, the available evidence is currently insufficient to determine the role of this variant in disease. Therefore, it has been classified as a Variant of Uncertain Significance. The CDKN2A gene encodes two different proteins, p16INK4a and p14ARF, which are translated from alternative transcripts that have different open reading frames. Algorithms developed to predict the effect of missense changes on protein structure and function (SIFT, PolyPhen-2, Align-GVGD) all suggest that p.Gly55Arg in p16INK4a and p.Gly69Ala in p14ARF are likely to be disruptive, but these predictions have not been confirmed by published functional studies. This variant has not been reported in the literature in individuals with CDKN2A (p16INK4a)- or CDKN2A (p14ARF)-related disease. This variant is not present in population databases (ExAC no frequency). This sequence change replaces glycine with arginine at codon 55 of the CDKN2A (p16INK4a) protein (p.Gly55Arg). The glycine residue is highly conserved and there is a moderate physicochemical difference between glycine and arginine. Alternatively, this sequence change replaces glycine with alanine at codon 69 of the CDKN2A (p14ARF) protein (p.Gly69Ala). The glycine residue is highly conserved and there is a small physicochemical difference between glycine and alanine.

NM_000077.5(CDKN2A):c.163G>C (p.Gly55Arg)

Gene: CDKN2A (cyclin dependent kinase inhibitor 2A; minus strand). Cytogenetic location: 9p21.3.
Variant type: single nucleotide variant.
Coding change: c.163G>C on transcript NM_000077.5; coding-DNA position 163, G replaced by C.
Protein change: p.Gly55Arg; replaces glycine 55 with arginine.
Molecular consequence: missense variant (on NM_000077.6). On other transcripts: 3 prime UTR variant (1).
Genome position (GRCh38, 1-based): chr9:21,971,196, C>G on the plus strand (G>C on the coding strand, the complement: CDKN2A is on the minus strand). VCF-style: chr9-21971196-C-G. GRCh37 (hg19) VCF-style: chr9-21971195-C-G.
Other names: c.163G>C, p.Gly55Arg (NM_000077.6, NM_001195132.2); c.10G>C, p.Gly4Arg (NM_001363763.2); c.206G>C, p.Gly69Ala (NM_058195.4); c.*86G>C (NM_058197.5); short protein forms G55R, G69A, G4R.
Identifiers: ClinVar variation 579094 (VCV000579094.8), dbSNP rs1563889961, ClinGen allele CA373086432.